The following is an entry in ClinVar:

NM_031935.3(HMCN1):c.12248C>T (p.Pro4083Leu)

Gene: HMCN1 (hemicentin 1; plus strand). Cytogenetic location: 1q31.1.
Variant type: single nucleotide variant.
Coding change: c.12248C>T on transcript NM_031935.3 (MANE Select); coding-DNA position 12248, C replaced by T.
Protein change: p.Pro4083Leu; replaces proline 4083 with leucine.
Molecular consequence: missense variant.
Genome position (GRCh38, 1-based): chr1:186,122,969, C>T. VCF-style: chr1-186122969-C-T. GRCh37 (hg19) VCF-style: chr1-186092101-C-T.
Other names: short protein forms P4083L.
Identifiers: ClinVar variation 1914088 (VCV001914088.5), dbSNP rs573554320, ClinGen allele CA1294316.

ClinVar aggregate classification (germline): Uncertain significance (1 of 4 stars; one submission).

Allele frequency attached by ClinVar (database versions not stated): ExAC 0.00001; gnomAD 0.00001; gnomAD exomes 0.00001; 1000 Genomes Project 30x 0.00016; 1000 Genomes Project 0.00020.
gnomAD v4.1: 4 of 1,613,944 alleles (0.00025%); highest among the groups gnomAD compares: South Asian, 0.0044%; no homozygotes.

Submission:

Labcorp Genetics (formerly Invitae), Labcorp
Classification: Uncertain significance. Last evaluated: 2022-12-10. Review status: criteria provided, single submitter. Criteria: Invitae Variant Classification Sherloc (09022015). Collection method: clinical testing. Allele origin: germline.
Comment: In summary, the available evidence is currently insufficient to determine the role of this variant in disease. Therefore, it has been classified as a Variant of Uncertain Significance. Algorithms developed to predict the effect of missense changes on protein structure and function are either unavailable or do not agree on the potential impact of this missense change (SIFT: "Deleterious"; PolyPhen-2: "Benign"; Align-GVGD: "Class C15"). This variant has not been reported in the literature in individuals affected with HMCN1-related conditions. This variant is present in population databases (rs573554320, gnomAD 0.01%). This sequence change replaces proline, which is neutral and non-polar, with leucine, which is neutral and non-polar, at codon 4083 of the HMCN1 protein (p.Pro4083Leu).